The following is an entry in ClinVar:

NM_000180.4(GUCY2D):c.2945-7_2945-6del

Gene: GUCY2D (guanylate cyclase 2D, retinal; plus strand). Cytogenetic location: 17p13.1.
Variant type: Microsatellite.
Coding change: c.2945-7_2945-6del on transcript NM_000180.4 (MANE Select); 7 bases into the intron before coding-DNA position 2945 through 6 bases into the intron before coding-DNA position 2945, 2 bases deleted (TC; older notation c.2945-7_2945-6delTC).
Molecular consequence: intron variant.
Genome position (GRCh38, 1-based): chr17:8,015,736-8,015,737, TC deleted; deleting any 2 consecutive bases within chr17:8,015,734-8,015,737 gives the same sequence; the c. name uses the placement nearest the transcript's 3' end. VCF-style (leftmost placement, unchanged base first): chr17-8015733-ATC-A. GRCh37 (hg19) VCF-style: chr17-7919051-ATC-A.
Identifiers: ClinVar variation 1023420 (VCV001023420.7), dbSNP rs754170656, ClinGen allele CA8366273.

ClinVar aggregate classification (germline): Uncertain significance. Review status: criteria provided, multiple submitters, no conflicts (2 of 4 stars). 2 submissions from 2 submitters: Uncertain significance (2). Last evaluated 2024-11-08.

Conditions:
Cone-rod dystrophy 6 (CORD6). Also called: RETINAL CONE DYSTROPHY 2; Cone dystrophy progressive. Identifiers: Orphanet 1872, MedGen C1866293, MONDO:0011143, OMIM 601777.
Leber congenital amaurosis 1 (LCA1). Also called: Congenital absence of the rods and cones; Leber's congenital tapetoretinal degeneration; Leber's congenital tapetoretinal dysplasia; RETINAL BLINDNESS, CONGENITAL; AMAUROSIS CONGENITA OF LEBER I. Identifiers: Orphanet 65, MedGen C2931258, MONDO:0008764, OMIM 204000.

Submissions (2):

Blueprint Genetics
Classification: Uncertain significance. Last evaluated: 2024-11-08. Review status: criteria provided, single submitter. Criteria: ACMG Guidelines, 2015. Collection method: clinical testing. Allele origin: germline.

Labcorp Genetics (formerly Invitae), Labcorp
Classification: Uncertain significance for Leber congenital amaurosis 1; Cone-rod dystrophy 6. Last evaluated: 2021-09-02. Review status: criteria provided, single submitter. Criteria: Invitae Variant Classification Sherloc (09022015). Collection method: clinical testing. Allele origin: germline.
Comment: This sequence change falls in intron 15 of the GUCY2D gene. It does not directly change the encoded amino acid sequence of the GUCY2D protein. This variant is present in population databases (rs754170656, ExAC 0.05%). This variant has not been reported in the literature in individuals affected with GUCY2D-related conditions. Algorithms developed to predict the effect of sequence changes on RNA splicing suggest that this variant may disrupt the consensus splice site. In summary, the available evidence is currently insufficient to determine the role of this variant in disease. Therefore, it has been classified as a Variant of Uncertain Significance.